The following is an entry in ClinVar:

ClinVar aggregate classification (germline): Uncertain significance (1 of 4 stars; one submission).

gnomAD v4.1: 2 of 1,612,216 alleles (0.00012%); highest among the groups gnomAD compares: Admixed American, 0.0033%; no homozygotes.

Submission:

Labcorp Genetics (formerly Invitae), Labcorp
Classification: Uncertain significance. Last evaluated: 2022-03-06. Review status: criteria provided, single submitter. Criteria: Invitae Variant Classification Sherloc (09022015). Collection method: clinical testing. Allele origin: germline.
Comment: This sequence change replaces arginine, which is basic and polar, with lysine, which is basic and polar, at codon 345 of the PLCE1 protein (p.Arg345Lys). This variant is present in population databases (no rsID available, gnomAD 0.003%). This variant has not been reported in the literature in individuals affected with PLCE1-related conditions. Algorithms developed to predict the effect of missense changes on protein structure and function are either unavailable or do not agree on the potential impact of this missense change (SIFT: "Deleterious"; PolyPhen-2: "Benign"; Align-GVGD: "Class C0"). In summary, the available evidence is currently insufficient to determine the role of this variant in disease. Therefore, it has been classified as a Variant of Uncertain Significance.

NM_016341.4(PLCE1):c.1034G>A (p.Arg345Lys)

Gene: PLCE1 (phospholipase C epsilon 1; plus strand). Cytogenetic location: 10q23.33.
Variant type: single nucleotide variant.
Coding change: c.1034G>A on transcript NM_016341.4 (MANE Select); coding-DNA position 1034, G replaced by A.
Protein change: p.Arg345Lys; replaces arginine 345 with lysine.
Molecular consequence: missense variant.
Genome position (GRCh38, 1-based): chr10:94,032,080, G>A. VCF-style: chr10-94032080-G-A. GRCh37 (hg19) VCF-style: chr10-95791837-G-A.
Other names: c.1034G>A, p.Arg345Lys (NM_001288989.2); short protein forms R345K.
Identifiers: ClinVar variation 1909453 (VCV001909453.5), dbSNP rs1389986963, ClinGen allele CA377637447.
Genomic context (GRCh38, chr10:94,032,080, plus strand): 5'-TAGTCAGGAGATTCTGTAAAAATGACAGAGAAGTTAAGAAATCTGTGTATACTGGAACAA[G>A]AGCAATTGTGAGAACTCTGCCTTCTGGCCACATTGGGCTGACTGCATGGAGTTACATAGA-3'
Protein context (NP_057425.3, residues 335-355): EVKKSVYTGT[Arg345Lys]AIVRTLPSGH